The following is an entry in ClinVar:

ClinVar aggregate classification (germline): Uncertain significance (1 of 4 stars; one submission).

Conditions:
SIN3A-related intellectual disability syndrome due to a point mutation. Also called: WITTEVEEN-KOLK SYNDROME; 15q24 Microdeletion Syndrome. Identifiers: Orphanet 500166, Orphanet 94065, MedGen C4310804, MONDO:0044700, OMIM 613406.

Submission:

OLLIN Analises Genomicas, OLLIN
Classification: Uncertain significance for SIN3A-related intellectual disability syndrome due to a point mutation. Last evaluated: 2026-08-06. Review status: criteria provided, single submitter. Criteria: ACMG Guidelines 2015 PMID 25741868. Collection method: clinical testing. Allele origin: germline. Inheritance: Autosomal dominant inheritance.
Comment: This missense variant, located in exon 6 (of 21), is absent from gnomAD and ClinVar and has not been identified in the literature. In silico analysis predicts that this variant has a tolerated effect. According to the currently available evidence, this variant has been classified as uncertain significance (PM2_P, BP4).

NM_001145358.2(SIN3A):c.836C>G (p.Pro279Arg)

Gene: SIN3A (SIN3 transcription regulator family member A; minus strand). Cytogenetic location: 15q24.2.
Variant type: single nucleotide variant.
Coding change: c.836C>G on transcript NM_001145358.2 (MANE Select); coding-DNA position 836, C replaced by G.
Protein change: p.Pro279Arg; replaces proline 279 with arginine.
Molecular consequence: missense variant.
Genome position (GRCh38, 1-based): chr15:75,411,664, G>C on the plus strand (C>G on the coding strand, the complement: SIN3A is on the minus strand). VCF-style: chr15-75411664-G-C. GRCh37 (hg19) VCF-style: chr15-75704005-G-C.
Other names: c.836C>G, p.Pro279Arg (NM_001145357.2, NM_001437462.1, NM_001437463.1 and 1 more transcripts); short protein forms P279R.
Identifiers: ClinVar variation 5003129 (VCV005003129.1).